The following is an entry in ClinVar:

ClinVar aggregate classification (germline): Pathogenic (1 of 4 stars; one submission).

Submission:

Labcorp Genetics (formerly Invitae), Labcorp
Classification: Pathogenic. Last evaluated: 2021-10-21. Review status: criteria provided, single submitter. Criteria: Invitae Variant Classification Sherloc (09022015). Collection method: clinical testing. Allele origin: germline.
Comment: For these reasons, this variant has been classified as Pathogenic. This variant has not been reported in the literature in individuals affected with ANK1-related conditions. This variant is not present in population databases (ExAC no frequency). This sequence change creates a premature translational stop signal (p.Glu517*) in the ANK1 gene. It is expected to result in an absent or disrupted protein product. Loss-of-function variants in ANK1 are known to be pathogenic (PMID: 8640229).

Literature cited by the submitters: PubMed 8640229.

NM_000037.4(ANK1):c.1549G>T (p.Glu517Ter)

Gene: ANK1 (ankyrin 1; minus strand). Cytogenetic location: 8p11.21.
Variant type: single nucleotide variant.
Coding change: c.1549G>T on transcript NM_000037.4 (MANE Select); coding-DNA position 1549, G replaced by T.
Protein change: p.Glu517Ter; replaces glutamic acid 517 with a stop codon.
Molecular consequence: nonsense.
Genome position (GRCh38, 1-based): chr8:41,715,705, C>A on the plus strand (G>T on the coding strand, the complement: ANK1 is on the minus strand). VCF-style: chr8-41715705-C-A. GRCh37 (hg19) VCF-style: chr8-41573223-C-A.
Other names: c.1648G>T, p.Glu550Ter (NM_001142446.2); c.1549G>T, p.Glu517Ter (NM_020475.3, NM_020476.3, NM_020477.3); short protein forms E517*, E550*.
Identifiers: ClinVar variation 1369201 (VCV001369201.6), dbSNP rs2150635175, ClinGen allele CA371070077.
Genomic context (GRCh38, chr8:41,715,705, plus strand): 5'-GCTGTACCTTGGTCATGCAGGCCTGGGATGCTTCCTTTTCCAGAAGGGCCAGGACTGTTT[C>A]CACATGGCCCTCACGGGCTGCAATGTGCAGGGGGGTGTGCCCGGCGGTGGTGGCCAGGTT-3'